The following is an entry in ClinVar:

NM_005869.4(CWC27):c.517G>C (p.Asp173His)

Gene: CWC27 (CWC27 spliceosome associated cyclophilin; plus strand). Cytogenetic location: 5q12.3.
Variant type: single nucleotide variant.
Coding change: c.517G>C on transcript NM_005869.4 (MANE Select); coding-DNA position 517, G replaced by C.
Protein change: p.Asp173His; replaces aspartic acid 173 with histidine.
Molecular consequence: missense variant.
Genome position (GRCh38, 1-based): chr5:64,786,545, G>C. VCF-style: chr5-64786545-G-C. GRCh37 (hg19) VCF-style: chr5-64082372-G-C.
Other names: c.517G>C, p.Asp173His (NM_001297644.1, NM_001297645.2, NM_001318000.2 and 1 more transcripts); c.517G>C (NM_005869.2); short protein forms D173H.
Identifiers: ClinVar variation 1039190 (VCV001039190.10), dbSNP rs1245861359, ClinGen allele CA359846539.

ClinVar aggregate classification (germline): Uncertain significance. Review status: criteria provided, multiple submitters, no conflicts (2 of 4 stars). 3 submissions from 3 submitters: Uncertain significance (3). Last evaluated 2024-12-16.

Conditions:
Inborn genetic diseases. Identifiers: MedGen C0950123, MeSH D030342.

Allele frequency attached by ClinVar (database versions not stated): gnomAD exomes below 0.00001 and 0.00001.
gnomAD v4.1: 8 of 1,564,920 alleles (0.00051%); highest among the groups gnomAD compares: Non-Finnish European, 0.00069%; no homozygotes.

Submissions (3):

Labcorp Genetics (formerly Invitae), Labcorp
Classification: Uncertain significance. Last evaluated: 2024-12-16. Review status: criteria provided, single submitter. Criteria: Invitae Variant Classification Sherloc (09022015). Collection method: clinical testing. Allele origin: germline.
Comment: This sequence change replaces aspartic acid, which is acidic and polar, with histidine, which is basic and polar, at codon 173 of the CWC27 protein (p.Asp173His). The frequency data for this variant in the population databases is considered unreliable, as metrics indicate poor data quality at this position in the gnomAD database. This variant has not been reported in the literature in individuals affected with CWC27-related conditions. ClinVar contains an entry for this variant (Variation ID: 1039190). An algorithm developed to predict the effect of missense changes on protein structure and function (PolyPhen-2) suggests that this variant is likely to be disruptive. Algorithms developed to predict the effect of sequence changes on RNA splicing suggest that this variant may disrupt the consensus splice site. In summary, the available evidence is currently insufficient to determine the role of this variant in disease. Therefore, it has been classified as a Variant of Uncertain Significance.

Blueprint Genetics
Classification: Uncertain significance. Last evaluated: 2024-07-24. Review status: criteria provided, single submitter. Criteria: ACMG Guidelines, 2015. Collection method: clinical testing. Allele origin: germline.

Ambry Genetics
Classification: Uncertain significance for Inborn genetic diseases. Last evaluated: 2022-11-10. Review status: criteria provided, single submitter. Criteria: Ambry Variant Classification Scheme 2023. Collection method: clinical testing. Allele origin: germline.